The following is an entry in ClinVar:

ClinVar aggregate classification (germline): Uncertain significance (1 of 4 stars; one submission).

Conditions:
Hereditary cancer-predisposing syndrome. Also called: Neoplastic Syndromes, Hereditary; Tumor predisposition; Hereditary neoplastic syndrome; Hereditary Cancer Syndrome. Identifiers: Orphanet 140162, MedGen C0027672, MeSH D009386, MONDO:0015356.

Submission:

Ambry Genetics
Classification: Uncertain significance for Hereditary cancer-predisposing syndrome. Last evaluated: 2026-08-03. Review status: criteria provided, single submitter. Criteria: Ambry Variant Classification Scheme 2023. Collection method: clinical testing. Allele origin: germline.
Comment: The p.L331R variant (also known as c.992T>G), located in coding exon 10 of the RB1 gene, results from a T to G substitution at nucleotide position 992. The leucine at codon 331 is replaced by arginine, an amino acid with dissimilar properties. This amino acid position is conserved. In addition, this alteration is predicted to be deleterious by in silico analysis. Based on the available evidence, the clinical significance of this variant remains unclear.

NM_000321.3(RB1):c.992T>G (p.Leu331Arg)

Gene: RB1 (RB transcriptional corepressor 1; plus strand). Cytogenetic location: 13q14.2.
Variant type: single nucleotide variant.
Coding change: c.992T>G on transcript NM_000321.3 (MANE Select); coding-DNA position 992, T replaced by G.
Protein change: p.Leu331Arg; replaces leucine 331 with arginine.
Molecular consequence: missense variant.
Genome position (GRCh38, 1-based): chr13:48,367,546, T>G. VCF-style: chr13-48367546-T-G. GRCh37 (hg19) VCF-style: chr13-48941682-T-G.
Other names: c.992T>G, p.Leu331Arg (NM_001407165.1, NM_001407166.1); short protein forms L331R.
Identifiers: ClinVar variation 5027975 (VCV005027975.1).